The following is an entry in ClinVar:

NM_018191.4(RCBTB1):c.105G>A (p.Leu35=)

Gene: RCBTB1 (RCC1 and BTB domain containing protein 1; minus strand). Cytogenetic location: 13q14.2.
Variant type: single nucleotide variant.
Coding change: c.105G>A on transcript NM_018191.4 (MANE Select); coding-DNA position 105, G replaced by A.
Protein change: p.Leu35=; no amino-acid change (leucine 35 retained).
Molecular consequence: synonymous variant. On other transcripts: 5 prime UTR variant (1), non-coding transcript variant (2).
Genome position (GRCh38, 1-based): chr13:49,567,175, C>T on the plus strand (G>A on the coding strand, the complement: RCBTB1 is on the minus strand). VCF-style: chr13-49567175-C-T. GRCh37 (hg19) VCF-style: chr13-50141311-C-T.
Other names: c.105G>A, p.Leu35= (NM_001352500.2, NM_001352501.2, NM_001352502.2 and 3 more transcripts); c.-505G>A (NM_001352506.2).
Identifiers: ClinVar variation 5001451 (VCV005001451.1).

ClinVar aggregate classification (germline): Likely benign (1 of 4 stars; one submission).

Conditions:
RCBTB1-related disorder. Also called: RCBTB1-related condition.

Submission:

PreventionGenetics, part of Exact Sciences
Classification: Likely benign for RCBTB1-related condition. Last evaluated: 2024-11-09. Review status: criteria provided, single submitter. Criteria: ACMG Guidelines, 2015. Collection method: clinical testing. Allele origin: germline.
Comment: This variant is classified as likely benign based on ACMG/AMP sequence variant interpretation guidelines (Richards et al. 2015 PMID: 25741868, with internal and published modifications).